The following is an entry in ClinVar:

NM_001354930.2(RIPK1):c.569_585del (p.Leu190fs)

Gene: RIPK1 (receptor interacting serine/threonine kinase 1; plus strand). Cytogenetic location: 6p25.2.
Variant type: Deletion.
Coding change: c.569_585del on transcript NM_001354930.2 (MANE Select); coding-DNA positions 569 to 585, 17 bases deleted (TCTACTACATGGCGCCC).
Protein change: p.Leu190fs; shifts the reading frame from leucine 190.
Molecular consequence: frameshift variant.
Genome position (GRCh38, 1-based): chr6:3,083,194-3,083,210, TCTACTACATGGCGCCC deleted; deleting any 17 consecutive bases within chr6:3,083,191-3,083,210 gives the same sequence; the c. name uses the placement nearest the transcript's 3' end. VCF-style (leftmost placement, unchanged base first): chr6-3083190-ACCCTCTACTACATGGCG-A. GRCh37 (hg19) VCF-style: chr6-3083424-ACCCTCTACTACATGGCG-A.
Other names: c.80_96del, p.Leu27fs (NM_001317061.3, NM_001354932.2, NM_001354933.2 and 1 more transcripts); c.431_447del, p.Leu144fs (NM_001354931.2); c.569_585del, p.Leu190fs (NM_003804.6); short protein forms L27fs, L190fs, L144fs.
Identifiers: ClinVar variation 2822654 (VCV002822654.3), dbSNP rs2533199446, ClinGen allele CA2739272826.

ClinVar aggregate classification (germline): Pathogenic (1 of 4 stars; one submission).

Submission:

Labcorp Genetics (formerly Invitae), Labcorp
Classification: Pathogenic. Last evaluated: 2023-11-29. Review status: criteria provided, single submitter. Criteria: Invitae Variant Classification Sherloc (09022015). Collection method: clinical testing. Allele origin: germline.
Comment: This sequence change creates a premature translational stop signal (p.Leu190Argfs*5) in the RIPK1 gene. It is expected to result in an absent or disrupted protein product. Loss-of-function variants in RIPK1 are known to be pathogenic (PMID: 31213653). This variant is not present in population databases (gnomAD no frequency). This variant has not been reported in the literature in individuals affected with RIPK1-related conditions. For these reasons, this variant has been classified as Pathogenic.

Literature cited by the submitters: PubMed 31213653.